The following is an entry in ClinVar:

ClinVar aggregate classification (germline): Likely benign. Review status: criteria provided, multiple submitters, no conflicts (2 of 4 stars). 2 submissions from 2 submitters: Likely benign (2). Last evaluated 2026-03-01.

Allele frequency attached by ClinVar (database versions not stated): TOPMed below 0.00001; gnomAD exomes 0.00002.
gnomAD v4.1: 35 of 1,613,440 alleles (0.0022%); highest among the groups gnomAD compares: Non-Finnish European, 0.0028%; no homozygotes.

Submissions (2):

CeGaT Center for Human Genetics Tuebingen
Classification: Likely benign. Last evaluated: 2026-03-01. Review status: criteria provided, single submitter. Criteria: CeGaT Center For Human Genetics Tuebingen Variant Classification Criteria Version 2. Collection method: clinical testing. Allele origin: germline. Affected: yes. Observed: 2 variant alleles.
Comment: BCL11B: BP4, BP7

Labcorp Genetics (formerly Invitae), Labcorp
Classification: Likely benign. Last evaluated: 2025-12-16. Review status: criteria provided, single submitter. Criteria: Invitae Variant Classification Sherloc (09022015). Collection method: clinical testing. Allele origin: germline.

NM_138576.4(BCL11B):c.2454C>T (p.His818=)

Gene: BCL11B (BCL11 transcription factor B; minus strand). Cytogenetic location: 14q32.2.
Variant type: single nucleotide variant.
Coding change: c.2454C>T on transcript NM_138576.4 (MANE Select); coding-DNA position 2454, C replaced by T.
Protein change: p.His818=; no amino-acid change (histidine 818 retained).
Molecular consequence: synonymous variant.
Genome position (GRCh38, 1-based): chr14:99,174,382, G>A on the plus strand (C>T on the coding strand, the complement: BCL11B is on the minus strand). VCF-style: chr14-99174382-G-A. GRCh37 (hg19) VCF-style: chr14-99640719-G-A.
Other names: c.2451C>T, p.His817= (NM_001282237.2); c.2238C>T, p.His746= (NM_001282238.2); c.2241C>T, p.His747= (NM_022898.3).
Identifiers: ClinVar variation 2968039 (VCV002968039.7), dbSNP rs1048134407, ClinGen allele CA266104742.